The following is an entry in ClinVar:

NM_000038.6(APC):c.2434_2437del (p.Asp812fs)

Gene: APC (APC regulator of Wnt signaling pathway; plus strand). Cytogenetic location: 5q22.2.
Variant type: Deletion.
Coding change: c.2434_2437del on transcript NM_000038.6 (MANE Select); coding-DNA positions 2434 to 2437, 4 bases deleted (GACA; older notation c.2434_2437delGACA).
Protein change: p.Asp812fs; shifts the reading frame from aspartic acid 812.
Molecular consequence: frameshift variant.
Genome position (GRCh38, 1-based): chr5:112,838,028-112,838,031, GACA deleted; deleting any 4 consecutive bases within chr5:112,838,026-112,838,031 gives the same sequence; the c. name uses the placement nearest the transcript's 3' end. VCF-style (leftmost placement, unchanged base first): chr5-112838025-TCAGA-T. GRCh37 (hg19) VCF-style: chr5-112173722-TCAGA-T.
Other names: c.2434_2437del, p.Asp812fs (NM_001127510.3, NM_001354895.2); c.2380_2383del, p.Asp794fs (NM_001127511.3); c.2488_2491del, p.Asp830fs (NM_001354896.2); c.2464_2467del, p.Asp822fs (NM_001354897.2); c.2359_2362del, p.Asp787fs (NM_001354898.2); c.2350_2353del, p.Asp784fs (NM_001354899.2); c.2311_2314del, p.Asp771fs (NM_001354900.2); c.2257_2260del, p.Asp753fs (NM_001354901.2); and 5 more; short protein forms D529fs, D771fs, D787fs, D794fs, D686fs, D711fs, D784fs, D812fs.
Identifiers: ClinVar variation 2584032 (VCV002584032.2), dbSNP rs1131691136, ClinGen allele CA645369355.

ClinVar aggregate classification (germline): Pathogenic. Review status: criteria provided, multiple submitters, no conflicts (2 of 4 stars). 2 submissions from 2 submitters: Pathogenic (2). Last evaluated 2023-05-04.

Conditions:
Familial adenomatous polyposis 1 (FAP1). Also called: FAMILIAL ADENOMATOUS POLYPOSIS 1, ATTENUATED; POLYPOSIS, ADENOMATOUS INTESTINAL. Identifiers: MedGen C2713442, MONDO:0021056, OMIM 175100. Disease mechanism: loss of function.
Hereditary cancer-predisposing syndrome. Also called: Hereditary neoplastic syndrome; Tumor predisposition; Hereditary Cancer Syndrome; Neoplastic Syndromes, Hereditary. Identifiers: Orphanet 140162, MedGen C0027672, MeSH D009386, MONDO:0015356.

Submissions (2):

Myriad Genetics, Inc.
Classification: Pathogenic for Familial adenomatous polyposis 1. Last evaluated: 2023-05-04. Review status: criteria provided, single submitter. Criteria: Myriad Autosomal Dominant, Autosomal Recessive and X-Linked Classification Criteria (2023). Collection method: clinical testing. Allele origin: unknown.
Comment: This variant is considered pathogenic. This variant creates a frameshift predicted to result in premature protein truncation.

Ambry Genetics
Classification: Pathogenic for Hereditary cancer-predisposing syndrome. Last evaluated: 2019-12-20. Review status: criteria provided, single submitter. Criteria: Ambry Variant Classification Scheme 2023. Collection method: clinical testing. Allele origin: germline.
Comment: The c.2434_2437delGACA pathogenic mutation, located in coding exon 15 of the APC gene, results from a deletion of 4 nucleotides at nucleotide positions 2434 to 2437, causing a translational frameshift with a predicted alternate stop codon (D812Ifs*7). This mutation has been detected in multiple FAP/AFAP patients in the literature (Vandrovcova J et al. Hum Mutat. 2004 Apr;23(4):397; Rivera B et al. Ann Oncol. 2011 Apr;22(4):903-9; Araujo LF et al. Int. J. Biol. Markers. 2019 Mar;34:80-89). In addition to the clinical data presented in the literature, this alteration is expected to result in loss of function by premature protein truncation or nonsense-mediated mRNA decay. As such, this alteration is interpreted as a disease-causing mutation.

Literature cited by the submitters: PubMed 15024739 (cited by Ambry Genetics); PubMed 20924072 (cited by Ambry Genetics); PubMed 30852976 (cited by Ambry Genetics); PubMed 8990002 (cited by Ambry Genetics).